The following is an entry in ClinVar:

ClinVar aggregate classification (germline): Pathogenic (1 of 4 stars; one submission).

Conditions:
Von Hippel-Lindau syndrome (VHLS). Also called: VHL syndrome; Von Hippel-Lindau; von Hippel–Lindau syndrome. Identifiers: Orphanet 892, MedGen C0019562, MONDO:0008667, OMIM 193300. Disease mechanism: loss of function.

Submission:

KCCC/NGS Laboratory, Kuwait Cancer Control Center
Classification: Pathogenic for Von Hippel-Lindau syndrome. Last evaluated: 2025-12-21. Review status: criteria provided, single submitter. Criteria: ACMG Guidelines, 2015. Collection method: clinical testing. Allele origin: germline. Inheritance: Autosomal dominant inheritance. Affected: yes. Observed: 1 heterozygote.

NM_000551.4(VHL):c.340+1G>T

Gene: VHL (von Hippel-Lindau tumor suppressor; plus strand). Cytogenetic location: 3p25.3.
Variant type: single nucleotide variant.
Coding change: c.340+1G>T on transcript NM_000551.4 (MANE Select); the canonical splice donor site of the intron after coding-DNA position 340, G replaced by T.
Molecular consequence: splice donor variant.
Genome position (GRCh38, 1-based): chr3:10,142,188, G>T. VCF-style: chr3-10142188-G-T. GRCh37 (hg19) VCF-style: chr3-10183872-G-T.
Other names: c.340+1G>T (NM_001354723.2, NM_198156.3).
Identifiers: ClinVar variation 4538538 (VCV004538538.1).